The following is an entry in ClinVar:

ClinVar aggregate classification (germline): Uncertain significance (1 of 4 stars; one submission).

Allele frequency attached by ClinVar (database versions not stated): gnomAD exomes below 0.00001.
gnomAD v4.1: 2 of 1,604,196 alleles (0.00012%); highest among the groups gnomAD compares: Non-Finnish European, 0.00017%; no homozygotes.

Submission:

Labcorp Genetics (formerly Invitae), Labcorp
Classification: Uncertain significance. Last evaluated: 2024-10-15. Review status: criteria provided, single submitter. Criteria: Invitae Variant Classification Sherloc (09022015). Collection method: clinical testing. Allele origin: germline.
Comment: This sequence change replaces glycine, which is neutral and non-polar, with aspartic acid, which is acidic and polar, at codon 91 of the SLC25A32 protein (p.Gly91Asp). This variant is not present in population databases (gnomAD no frequency). This variant has not been reported in the literature in individuals affected with SLC25A32-related conditions. ClinVar contains an entry for this variant (Variation ID: 1939483). Invitae Evidence Modeling of protein sequence and biophysical properties (such as structural, functional, and spatial information, amino acid conservation, physicochemical variation, residue mobility, and thermodynamic stability) indicates that this missense variant is expected to disrupt SLC25A32 protein function with a positive predictive value of 80%. In summary, the available evidence is currently insufficient to determine the role of this variant in disease. Therefore, it has been classified as a Variant of Uncertain Significance.

NM_030780.5(SLC25A32):c.272G>A (p.Gly91Asp)

Gene: SLC25A32 (solute carrier family 25 member 32; minus strand). Cytogenetic location: 8q22.3.
Variant type: single nucleotide variant.
Coding change: c.272G>A on transcript NM_030780.5 (MANE Select); coding-DNA position 272, G replaced by A.
Protein change: p.Gly91Asp; replaces glycine 91 with aspartic acid.
Molecular consequence: missense variant. On other transcripts: non-coding transcript variant (2).
Genome position (GRCh38, 1-based): chr8:103,407,667, C>T on the plus strand (G>A on the coding strand, the complement: SLC25A32 is on the minus strand). VCF-style: chr8-103407667-C-T. GRCh37 (hg19) VCF-style: chr8-104419895-C-T.
Other names: short protein forms G91D.
Identifiers: ClinVar variation 1939483 (VCV001939483.5), dbSNP rs1249586962, ClinGen allele CA371629687.